The following is an entry in ClinVar:

NM_006231.4(POLE):c.4445-7T>C

Gene: POLE (DNA polymerase epsilon, catalytic subunit; minus strand). Cytogenetic location: 12q24.33.
Variant type: single nucleotide variant.
Coding change: c.4445-7T>C on transcript NM_006231.4 (MANE Select); 7 bases into the intron before coding-DNA position 4445, T replaced by C.
Molecular consequence: intron variant.
Genome position (GRCh38, 1-based): chr12:132,643,337, A>G on the plus strand (T>C on the coding strand, the complement: POLE is on the minus strand). VCF-style: chr12-132643337-A-G. GRCh37 (hg19) VCF-style: chr12-133219923-A-G.
Identifiers: ClinVar variation 385954 (VCV000385954.22), dbSNP rs754001064, ClinGen allele CA6892839.

ClinVar aggregate classification (germline): Conflicting classifications of pathogenicity. Review status: criteria provided, conflicting classifications (1 of 4 stars). 5 submissions from 5 submitters: Uncertain significance (1); Likely benign (4). Last evaluated 2026-01-18.

Allele frequency attached by ClinVar (database versions not stated): gnomAD exomes below 0.00001 and 0.00001; ExAC 0.00001; gnomAD 0.00001; TOPMed 0.00001.
gnomAD v4.1: 20 of 1,613,960 alleles (0.0012%); highest among the groups gnomAD compares: Non-Finnish European, 0.0016%; no homozygotes.

Submissions (5):

Labcorp Genetics (formerly Invitae), Labcorp
Classification: Likely benign. Last evaluated: 2026-01-18. Review status: criteria provided, single submitter. Criteria: Invitae Variant Classification Sherloc (09022015). Collection method: clinical testing. Allele origin: germline.

Women's Health and Genetics/Laboratory Corporation of America, LabCorp
Classification: Likely benign. Last evaluated: 2025-04-28. Review status: criteria provided, single submitter. Criteria: LabCorp Variant Classification Summary - May 2015. Collection method: clinical testing. Allele origin: germline.

Blueprint Genetics
Classification: Likely benign. Last evaluated: 2024-05-03. Review status: criteria provided, single submitter. Criteria: ACMG Guidelines, 2015. Collection method: clinical testing. Allele origin: germline.

Genetic Services Laboratory, University of Chicago
Classification: Uncertain significance. Last evaluated: 2019-09-20. Review status: criteria provided, single submitter. Criteria: ACMG Guidelines, 2015. Collection method: clinical testing. Allele origin: germline. Affected: no.

GeneDx
Classification: Likely benign. Last evaluated: 2016-05-05. Review status: criteria provided, single submitter. Criteria: GeneDx Variant Classification (06012015). Collection method: clinical testing. Allele origin: germline. Affected: yes.
Comment: This variant is considered likely benign or benign based on one or more of the following criteria: it is a conservative change, it occurs at a poorly conserved position in the protein, it is predicted to be benign by multiple in silico algorithms, and/or has population frequency not consistent with disease.